The following is an entry in ClinVar:

NM_001292063.2(OTOG):c.6444C>T (p.His2148=)

Gene: OTOG (otogelin; plus strand). Cytogenetic location: 11p15.1.
Variant type: single nucleotide variant.
Coding change: c.6444C>T on transcript NM_001292063.2 (MANE Select); coding-DNA position 6444, C replaced by T.
Protein change: p.His2148=; no amino-acid change (histidine 2148 retained).
Molecular consequence: synonymous variant.
Genome position (GRCh38, 1-based): chr11:17,613,617, C>T. VCF-style: chr11-17613617-C-T. GRCh37 (hg19) VCF-style: chr11-17635164-C-T.
Other names: c.6480C>T, p.His2160= (NM_001277269.2).
Identifiers: ClinVar variation 1186261 (VCV001186261.27), dbSNP rs776163972, ClinGen allele CA218480089.

ClinVar aggregate classification (germline): Likely benign. Review status: criteria provided, multiple submitters, no conflicts (2 of 4 stars). 2 submissions from 2 submitters: Likely benign (2). Last evaluated 2023-08-01.

Allele frequency attached by ClinVar (database versions not stated): gnomAD 0.00003 and 0.00004; TOPMed 0.00005.
gnomAD v4.1: 135 of 1,550,496 alleles (0.0087%); highest among the groups gnomAD compares: Non-Finnish European, 0.011%; no homozygotes.

Submissions (2):

CeGaT Center for Human Genetics Tuebingen
Classification: Likely benign. Last evaluated: 2023-08-01. Review status: criteria provided, single submitter. Criteria: CeGaT Center For Human Genetics Tuebingen Variant Classification Criteria Version 2. Collection method: clinical testing. Allele origin: germline. Affected: yes. Observed: 1 variant allele.
Comment: OTOG: BP4, BP7

GeneDx
Classification: Likely benign. Last evaluated: 2019-01-02. Review status: criteria provided, single submitter. Criteria: GeneDx Variant Classification Process June 2021. Collection method: clinical testing. Allele origin: germline. Affected: yes.